The following is an entry in ClinVar:

ClinVar aggregate classification (germline): Uncertain significance. Review status: criteria provided, multiple submitters, no conflicts (2 of 4 stars). 2 submissions from 2 submitters: Uncertain significance (2). Last evaluated 2024-10-29.

Conditions:
Hereditary orotic aciduria, type 1. Also called: Orotic aciduria type 1; Oroticaciduria 1. Identifiers: MedGen C0268130.

Allele frequency attached by ClinVar (database versions not stated): TOPMed 0.00002; ExAC 0.00003; gnomAD 0.00007; ESP Exome Variant Server 0.00008.
gnomAD v4.1: 37 of 1,613,860 alleles (0.0023%); highest among the groups gnomAD compares: Middle Eastern, 0.016%; no homozygotes.

Submissions (2):

Labcorp Genetics (formerly Invitae), Labcorp
Classification: Uncertain significance for Hereditary orotic aciduria, type 1. Last evaluated: 2024-10-29. Review status: criteria provided, single submitter. Criteria: Invitae Variant Classification Sherloc (09022015). Collection method: clinical testing. Allele origin: germline.
Comment: This sequence change replaces arginine, which is basic and polar, with tryptophan, which is neutral and slightly polar, at codon 313 of the UMPS protein (p.Arg313Trp). This variant is present in population databases (rs375821728, gnomAD 0.01%). This missense change has been observed in individual(s) with orotic aciduria (internal data). It has also been observed to segregate with disease in related individuals. ClinVar contains an entry for this variant (Variation ID: 1809913). Invitae Evidence Modeling of protein sequence and biophysical properties (such as structural, functional, and spatial information, amino acid conservation, physicochemical variation, residue mobility, and thermodynamic stability) indicates that this missense variant is expected to disrupt UMPS protein function with a positive predictive value of 80%. In summary, the available evidence is currently insufficient to determine the role of this variant in disease. Therefore, it has been classified as a Variant of Uncertain Significance.

GeneDx
Classification: Uncertain significance. Last evaluated: 2022-06-28. Review status: criteria provided, single submitter. Criteria: GeneDx Variant Classification Process June 2021. Collection method: clinical testing. Allele origin: germline. Affected: yes.
Comment: In silico analysis supports that this missense variant has a deleterious effect on protein structure/function; Has not been previously published as pathogenic or benign to our knowledge

NM_000373.4(UMPS):c.937C>T (p.Arg313Trp)

Gene: UMPS (uridine monophosphate synthetase; plus strand). Cytogenetic location: 3q21.2.
Variant type: single nucleotide variant.
Coding change: c.937C>T on transcript NM_000373.4 (MANE Select); coding-DNA position 937, C replaced by T.
Protein change: p.Arg313Trp; replaces arginine 313 with tryptophan.
Molecular consequence: missense variant. On other transcripts: non-coding transcript variant (2).
Genome position (GRCh38, 1-based): chr3:124,738,194, C>T. VCF-style: chr3-124738194-C-T. GRCh37 (hg19) VCF-style: chr3-124457041-C-T.
Other names: short protein forms R313W.
Identifiers: ClinVar variation 1809913 (VCV001809913.5), dbSNP rs375821728, ClinGen allele CA2581731.